The following is an entry in ClinVar:

ClinVar aggregate classification (germline): Uncertain significance (1 of 4 stars; one submission).

Conditions:
Neurofibromatosis, type 1 (NF1). Also called: VON RECKLINGHAUSEN DISEASE; Neurofibromatosis, type I; NEUROFIBROMATOSIS, TYPE I, SOMATIC; Peripheral type neurofibromatosis. Identifiers: Orphanet 636, MedGen C0027831, MONDO:0018975, OMIM 162200. Disease mechanism: loss of function.

Submission:

Labcorp Genetics (formerly Invitae), Labcorp
Classification: Uncertain significance for Neurofibromatosis, type 1. Last evaluated: 2025-09-24. Review status: criteria provided, single submitter. Criteria: Invitae Variant Classification Sherloc (09022015). Collection method: clinical testing. Allele origin: germline.
Comment: This sequence change replaces threonine, which is neutral and polar, with arginine, which is basic and polar, at codon 2738 of the NF1 protein (p.Thr2738Arg). This variant is not present in population databases (gnomAD no frequency). This variant has not been reported in the literature in individuals affected with NF1-related conditions. Invitae Evidence Modeling of protein sequence and biophysical properties (such as structural, functional, and spatial information, amino acid conservation, physicochemical variation, residue mobility, and thermodynamic stability) indicates that this missense variant is not expected to disrupt NF1 protein function with a negative predictive value of 95%. In summary, the available evidence is currently insufficient to determine the role of this variant in disease. Therefore, it has been classified as a Variant of Uncertain Significance.

NM_001042492.3(NF1):c.8276C>G (p.Thr2759Arg)

Gene: NF1 (neurofibromin 1; plus strand). Cytogenetic location: 17q11.2.
Variant type: single nucleotide variant.
Coding change: c.8276C>G on transcript NM_001042492.3 (MANE Select); coding-DNA position 8276, C replaced by G.
Protein change: p.Thr2759Arg; replaces threonine 2759 with arginine.
Molecular consequence: missense variant.
Genome position (GRCh38, 1-based): chr17:31,360,602, C>G. VCF-style: chr17-31360602-C-G. GRCh37 (hg19) VCF-style: chr17-29687620-C-G.
Other names: c.8213C>G, p.Thr2738Arg (NM_000267.4); short protein forms T2738R, T2759R.
Identifiers: ClinVar variation 4800815 (VCV004800815.1).